The following is an entry in ClinVar:

ClinVar aggregate classification (germline): Uncertain significance. Review status: criteria provided, multiple submitters, no conflicts (2 of 4 stars). 2 submissions from 2 submitters: Uncertain significance (2). Last evaluated 2024-12-26.

Conditions:
TRIO-related disorder. Also called: TRIO-related condition; TRIO-related disorders.
Inborn genetic diseases. Identifiers: MedGen C0950123, MeSH D030342.

gnomAD v4.1: 41 of 1,613,992 alleles (0.0025%); highest among the groups gnomAD compares: South Asian, 0.0099%; no homozygotes.

Submissions (2):

PreventionGenetics, part of Exact Sciences
Classification: Uncertain significance for TRIO-related condition. Last evaluated: 2024-12-26. Review status: criteria provided, single submitter. Criteria: ACMG Guidelines, 2015. Collection method: clinical testing. Allele origin: germline.
Comment: The TRIO c.3158C>T variant is predicted to result in the amino acid substitution p.Thr1053Met. To our knowledge, this variant has not been reported in the literature. This variant is reported in 0.0065% of alleles in individuals of South Asian descent in gnomAD. At this time, the clinical significance of this variant is uncertain due to the absence of conclusive functional and genetic evidence.

Ambry Genetics
Classification: Uncertain significance for Inborn genetic diseases. Last evaluated: 2024-11-09. Review status: criteria provided, single submitter. Criteria: Ambry Variant Classification Scheme 2023. Collection method: clinical testing. Allele origin: germline.

NM_007118.4(TRIO):c.3158C>T (p.Thr1053Met)

Gene: TRIO (trio Rho guanine nucleotide exchange factor; plus strand). Cytogenetic location: 5p15.2.
Variant type: single nucleotide variant.
Coding change: c.3158C>T on transcript NM_007118.4 (MANE Select); coding-DNA position 3158, C replaced by T.
Protein change: p.Thr1053Met; replaces threonine 1053 with methionine.
Molecular consequence: missense variant. On other transcripts: non-coding transcript variant (1).
Genome position (GRCh38, 1-based): chr5:14,369,465, C>T. VCF-style: chr5-14369465-C-T. GRCh37 (hg19) VCF-style: chr5-14369574-C-T.
Other names: c.3158C>T (NM_007118.3); short protein forms T1053M.
Identifiers: ClinVar variation 3461682 (VCV003461682.2).